The following is an entry in ClinVar:

ClinVar aggregate classification (germline): Uncertain significance. Review status: criteria provided, multiple submitters, no conflicts (2 of 4 stars). 4 submissions from 4 submitters: Uncertain significance (4). Last evaluated 2025-02-06.

Conditions:
Hereditary cancer-predisposing syndrome. Also called: Neoplastic Syndromes, Hereditary; Tumor predisposition; Hereditary neoplastic syndrome; Hereditary Cancer Syndrome. Identifiers: Orphanet 140162, MedGen C0027672, MeSH D009386, MONDO:0015356.
Microcephaly, normal intelligence and immunodeficiency (NBS). Also called: Ataxia telangiectasia variant V1; Nijmegen breakage syndrome; Microcephaly with normal intelligence immunodeficiency and lymphoreticular malignancies; Nonsyndromal microcephaly autosomal recessive with normal intelligence; Seemanova syndrome 2; IMMUNODEFICIENCY, MICROCEPHALY, AND CHROMOSOMAL INSTABILITY. Identifiers: Orphanet 647, MedGen C0398791, MONDO:0009623, OMIM 251260.

Allele frequency attached by ClinVar (database versions not stated): TOPMed below 0.00001; ExAC 0.00001; gnomAD 0.00001; gnomAD exomes 0.00001 and 0.00002.
gnomAD v4.1: 32 of 1,611,006 alleles (0.002%); highest among the groups gnomAD compares: Non-Finnish European, 0.0026%; no homozygotes.

Submissions (4):

Labcorp Genetics (formerly Invitae), Labcorp
Classification: Uncertain significance for Microcephaly, normal intelligence and immunodeficiency. Last evaluated: 2025-02-06. Review status: criteria provided, single submitter. Criteria: Invitae Variant Classification Sherloc (09022015). Collection method: clinical testing. Allele origin: germline.
Comment: This sequence change replaces asparagine, which is neutral and polar, with serine, which is neutral and polar, at codon 472 of the NBN protein (p.Asn472Ser). This variant is present in population databases (rs750711786, gnomAD 0.003%). This variant has not been reported in the literature in individuals affected with NBN-related conditions. ClinVar contains an entry for this variant (Variation ID: 239186). An algorithm developed to predict the effect of missense changes on protein structure and function outputs the following: PolyPhen-2: "Benign". The serine amino acid residue is found in multiple mammalian species, which suggests that this missense change does not adversely affect protein function. In summary, the available evidence is currently insufficient to determine the role of this variant in disease. Therefore, it has been classified as a Variant of Uncertain Significance.

Ambry Genetics
Classification: Uncertain significance for Hereditary cancer-predisposing syndrome. Last evaluated: 2024-03-28. Review status: criteria provided, single submitter. Criteria: Ambry Variant Classification Scheme 2023. Collection method: clinical testing. Allele origin: germline.
Comment: The p.N472S variant (also known as c.1415A>G), located in coding exon 11 of the NBN gene, results from an A to G substitution at nucleotide position 1415. The asparagine at codon 472 is replaced by serine, an amino acid with highly similar properties. This amino acid position is well conserved in available vertebrate species. In addition, this alteration is predicted to be tolerated by in silico analysis. Since supporting evidence is limited at this time, the clinical significance of this alteration remains unclear.

Genome-Nilou Lab
Classification: Uncertain significance for Microcephaly, normal intelligence and immunodeficiency. Last evaluated: 2021-11-07. Review status: criteria provided, single submitter. Criteria: ACMG Guidelines, 2015. Collection method: clinical testing. Allele origin: germline. Affected: no.

GeneDx
Classification: Uncertain significance. Last evaluated: 2021-01-13. Review status: criteria provided, single submitter. Criteria: GeneDx Variant Classification Process June 2021. Collection method: clinical testing. Allele origin: germline. Affected: yes.
Comment: Not observed at a significant frequency in large population cohorts (Lek 2016); In silico analysis, which includes protein predictors and evolutionary conservation, supports that this variant does not alter protein structure/function; Has not been previously published as pathogenic or benign to our knowledge

NM_002485.5(NBN):c.1415A>G (p.Asn472Ser)

Gene: NBN (nibrin; minus strand). Cytogenetic location: 8q21.3.
Variant type: single nucleotide variant.
Coding change: c.1415A>G on transcript NM_002485.5 (MANE Select); coding-DNA position 1415, A replaced by G.
Protein change: p.Asn472Ser; replaces asparagine 472 with serine.
Molecular consequence: missense variant.
Genome position (GRCh38, 1-based): chr8:89,953,674, T>C on the plus strand (A>G on the coding strand, the complement: NBN is on the minus strand). VCF-style: chr8-89953674-T-C. GRCh37 (hg19) VCF-style: chr8-90965902-T-C.
Other names: c.1169A>G, p.Asn390Ser (NM_001024688.3); short protein forms N472S, N390S.
Identifiers: ClinVar variation 239186 (VCV000239186.22), dbSNP rs750711786, ClinGen allele CA4802723.
Genomic context (GRCh38, chr8:89,953,674, plus strand): 5'-TGTTCTAAAAGAGAACAAGACGTTTCTATTCTTGCTGATTTGCATGAAGACATTTCTTGA[T>C]TTTCTTCATCCCTTTCCCTTAGATTTAAAAAAAAAGAAGAAAACAAAACAAGAAAATGAA-3'
Protein context (NP_002476.2, residues 462-482): STKKRERDEE[Asn472Ser]QEMSSCKSAR